The following is an entry in ClinVar:

ClinVar aggregate classification (germline): Uncertain significance (1 of 4 stars; one submission).

Submission:

Ambry Genetics
Classification: Uncertain significance. Last evaluated: 2017-05-24. Review status: criteria provided, single submitter. Criteria: Ambry Variant Classification Scheme 2023. Collection method: clinical testing. Allele origin: germline.
Comment: The p.Y832H variant (also known as c.2494T>C), located in coding exon 2 of the KIAA2022 gene, results from a T to C substitution at nucleotide position 2494. The tyrosine at codon 832 is replaced by histidine, an amino acid with similar properties. This amino acid position is highly conserved in available vertebrate species. In addition, the in silico prediction for this alteration is inconclusive. Since supporting evidence is limited at this time, the clinical significance of this alteration remains unclear.

NM_001008537.3(NEXMIF):c.2494T>C (p.Tyr832His)

Gene: NEXMIF (neurite extension and migration factor; minus strand). Cytogenetic location: Xq13.3.
Variant type: single nucleotide variant.
Coding change: c.2494T>C on transcript NM_001008537.3 (MANE Select); coding-DNA position 2494, T replaced by C.
Protein change: p.Tyr832His; replaces tyrosine 832 with histidine.
Molecular consequence: missense variant.
Genome position (GRCh38, 1-based): chrX:74,742,063, A>G on the plus strand (T>C on the coding strand, the complement: NEXMIF is on the minus strand). VCF-style: chrX-74742063-A-G. GRCh37 (hg19) VCF-style: chrX-73961898-A-G.
Other names: short protein forms Y832H.
Identifiers: ClinVar variation 590146 (VCV000590146.5), dbSNP rs1569335404, ClinGen allele CA413668101.